The following is an entry in ClinVar:

ClinVar aggregate classification (germline): Uncertain significance (1 of 4 stars; one submission).

Submission:

Labcorp Genetics (formerly Invitae), Labcorp
Classification: Uncertain significance. Last evaluated: 2022-03-13. Review status: criteria provided, single submitter. Criteria: Invitae Variant Classification Sherloc (09022015). Collection method: clinical testing. Allele origin: germline.
Comment: In summary, the available evidence is currently insufficient to determine the role of this variant in disease. Therefore, it has been classified as a Variant of Uncertain Significance. Variants that disrupt the consensus splice site are a relatively common cause of aberrant splicing (PMID: 17576681, 9536098). Algorithms developed to predict the effect of sequence changes on RNA splicing suggest that this variant is not likely to affect RNA splicing. This variant has not been reported in the literature in individuals affected with PHIP-related conditions. This variant is not present in population databases (gnomAD no frequency). This sequence change falls in intron 10 of the PHIP gene. It does not directly change the encoded amino acid sequence of the PHIP protein. It affects a nucleotide within the consensus splice site.

Literature cited by the submitters: PubMed 17576681; PubMed 9536098.

NM_017934.7(PHIP):c.994+4A>G

Gene: PHIP (PHIP subunit of CUL4-Ring ligase complex; minus strand). Cytogenetic location: 6q14.1.
Variant type: single nucleotide variant.
Coding change: c.994+4A>G on transcript NM_017934.7 (MANE Select); 4 bases into the intron after coding-DNA position 994, A replaced by G.
Molecular consequence: intron variant.
Genome position (GRCh38, 1-based): chr6:79,019,085, T>C on the plus strand (A>G on the coding strand, the complement: PHIP is on the minus strand). VCF-style: chr6-79019085-T-C. GRCh37 (hg19) VCF-style: chr6-79728802-T-C.
Identifiers: ClinVar variation 2110858 (VCV002110858.4), dbSNP rs1770982790, ClinGen allele CA1640408243.